The following is an entry in ClinVar:

ClinVar aggregate classification (germline): Pathogenic/Likely pathogenic. Review status: criteria provided, multiple submitters, no conflicts (2 of 4 stars). 8 submissions from 8 submitters: Pathogenic (4); Likely pathogenic (4). Last evaluated 2025-08-06.

Conditions:
Mucopolysaccharidosis, MPS-IV-A (MPS4A). Also called: MPS IVA; Morquio syndrome A, mild; GALACTOSAMINE-6-SULFATASE DEFICIENCY; GALNS DEFICIENCY; MORQUIO A DISEASE; Mucopolysaccharidosis type IV A. Identifiers: Orphanet 309297, Orphanet 582, MedGen C0086651, MONDO:0009659, OMIM 253000.

gnomAD v4.1: 4 of 1,612,948 alleles (0.00025%); highest among the groups gnomAD compares: South Asian, 0.0044%; no homozygotes.

Submissions (8):

Labcorp Genetics (formerly Invitae), Labcorp
Classification: Pathogenic for Mucopolysaccharidosis, MPS-IV-A. Last evaluated: 2025-08-06. Review status: criteria provided, single submitter. Criteria: Invitae Variant Classification Sherloc (09022015). Collection method: clinical testing. Allele origin: germline.
Comment: This sequence change replaces proline, which is neutral and non-polar, with arginine, which is basic and polar, at codon 77 of the GALNS protein (p.Pro77Arg). This variant is not present in population databases (gnomAD no frequency). This missense change has been observed in individuals with mucopolysaccharidosis type IVA (MPS IVA) (PMID: 7633425, 15235041, 23876334; internal data). It has also been observed to segregate with disease in related individuals. ClinVar contains an entry for this variant (Variation ID: 856567). Invitae Evidence Modeling of protein sequence and biophysical properties (such as structural, functional, and spatial information, amino acid conservation, physicochemical variation, residue mobility, and thermodynamic stability) indicates that this missense variant is expected to disrupt GALNS protein function with a positive predictive value of 95%. Experimental studies have shown that this missense change affects GALNS function (PMID: 10814710). This variant disrupts the p.Pro77 amino acid residue in GALNS. Other variant(s) that disrupt this residue have been observed in individuals with GALNS-related conditions (PMID: 25252036), which suggests that this may be a clinically significant amino acid residue. For these reasons, this variant has been classified as Pathogenic.

Victorian Clinical Genetics Services, Murdoch Childrens Research Institute
Classification: Pathogenic for Mucopolysaccharidosis, MPS-IV-A. Last evaluated: 2023-07-17. Review status: criteria provided, single submitter. Criteria: ACMG Guidelines, 2015. Collection method: clinical testing. Allele origin: germline. Inheritance: Autosomal recessive inheritance. Affected: yes.
Comment: Based on the classification scheme VCGS_Germline_v1.3.4, this variant is classified as Pathogenic. Following criteria are met: 0102 - Loss of function is a known mechanism of disease in this gene and is associated with mucopolysaccharidosis IVA (MIM#253000). (I) 0106 - This gene is associated with autosomal recessive disease. (I) 0115 - Variants in this gene are known to have variable expressivity. The phenotypic spectrum ranges from a severe and rapidly progressive early-onset form to a slowly progressive later-onset form (PMID: 23844448). (I) 0200 - Variant is predicted to result in a missense amino acid change from proline to arginine. (I) 0251 - This variant is heterozygous. (I) 0301 - Variant is absent from gnomAD (both v2 and v3). (SP) 0309 - Two alternative amino acid changes at the same position have been observed in gnomAD (v2) (both 1 heterozygote, 0 homozygotes). (I) 0501 - Missense variant consistently predicted to be damaging by multiple in silico tools and highly conserved with a major amino acid change. (SP) 0600 - Variant is located in the annotated sulfatase domain (DECIPHER). (I) 0801 - This variant has very strong previous evidence of pathogenicity in unrelated individuals. This variant has been classified as pathogenic and likely pathogenic by multiple clinical diagnostic laboratories (ClinVar). In addition, it has been reported in multiple individuals with mucopolysaccharidosis IVA and has been suggested as a Gujarati-Indian founder variant (PMIDs: 15235041, 23876334, 24726177, 30980944, 35729508). (SP) 1001 - This variant has strong functional evidence supporting abnormal protein function. Leucocytes from patients homozygous for the p.(Pro77Arg) variant demonstrated severely reduced ß-galactose-6-sulfate sulfatase activity (PMID: 35729508). (I) Legend: (SP) - Supporting pathogenic, (I) - Information, (SB) - Supporting benign

GeneDx
Classification: Pathogenic. Last evaluated: 2022-12-13. Review status: criteria provided, single submitter. Criteria: GeneDx Variant Classification Process June 2021. Collection method: clinical testing. Allele origin: germline. Affected: yes.
Comment: Not observed at significant frequency in large population cohorts (gnomAD); In silico analysis supports that this missense variant has a deleterious effect on protein structure/function; This variant is associated with the following publications: (PMID: 22940367, 7633425, 25287660, 25501214, 30980944, 24726177, 15235041, 23876334, 32183856, 34387910, Sheth[article]2020)

Fulgent Genetics
Classification: Likely pathogenic for Mucopolysaccharidosis, MPS-IV-A. Last evaluated: 2022-03-17. Review status: criteria provided, single submitter. Criteria: ACMG Guidelines, 2015. Collection method: clinical testing. Allele origin: unknown.

Genome-Nilou Lab
Classification: Likely pathogenic for Mucopolysaccharidosis, MPS-IV-A. Last evaluated: 2021-11-07. Review status: criteria provided, single submitter. Criteria: ACMG Guidelines, 2015. Collection method: clinical testing. Allele origin: germline. Affected: no.

Laboratory of Diagnosis and Therapy of Lysosomal Disorders, University of Padova
Classification: Likely pathogenic for Mucopolysaccharidosis, MPS-IV-A. Last evaluated: 2021-02-01. Review status: criteria provided, single submitter. Criteria: ACMG Guidelines, 2015. Collection method: curation. Allele origin: germline. Affected: yes.
Comment: In vitro and vivo functional studies supportive of a damaging effect on the gene product (low to null enzymatic activity in homozygotes; low to null in vitro enzymatic activity; PS3_strong); the prevalence of the variant in affected individuals is significantly increased compared with the prevalence in controls (PS4_supporting); absent from gnomAD v2.1.1 (PM2_moderate); multiple lines of computational evidence support a deleterious effect on the gene (PP3_supporting)

Foundation for Research in Genetics and Endocrinology, FRIGE's Institute of Human Genetics
Classification: Likely pathogenic for Mucopolysaccharidosis, MPS-IV-A. Review status: criteria provided, single submitter. Criteria: ACMG Guidelines, 2015. Collection method: clinical testing. Allele origin: germline. Inheritance: Autosomal recessive inheritance. Affected: yes. Observed: 1 homozygote.
Comment: A Homozygous missense variation in exon 2 of the GALNS gene that results in the amino acid substitution of Arginine for Proline at codon 77 was detected. The observed variant c.230C>G (p.Pro77Arg) has not been reported in the 1000 genomes and ExAC databases. The in silico prediction of the variant is damaging by LRT and MutationTaster2. The reference codon is conserved across species. In summary, the variant meets our criteria to be classified as likely pathogenic.

Neuberg Centre For Genomic Medicine, NCGM
Classification: Pathogenic for Mucopolysaccharidosis, MPS-IV-A. Review status: criteria provided, single submitter. Criteria: ACMG Guidelines, 2015. Collection method: clinical testing. Allele origin: germline. Inheritance: Autosomal recessive inheritance. Affected: yes.
Comment: The missense variant c.230C>G (p.Pro77Arg) in GALNS gene has been observed in several individuals affected with mucopolysaccharidosis type IV(Dung VC et.al.,2013). This variant has been reported to affect GALNS protein function (Sukegawa K et.al.,2000). This variant has been reported to the ClinVar database as Pathogenic/Likely Pathogenic. The p.Pro77Arg variant is novel (not in any individuals) in gnomAD Exomes and 1000 Genomes. The amino acid Pro at position 77 is changed to a Arg changing protein sequence and it might alter its composition and physico-chemical properties. For these reasons, this variant has been classified as Pathogenic.

Literature cited by the submitters: PubMed 7633425 (cited by Labcorp Genetics (formerly Invitae), Labcorp and Laboratory of Diagnosis and Therapy of Lysosomal Disorders, University of Padova); PubMed 15235041 (cited by 3 submitters); PubMed 23876334 (cited by 3 submitters); PubMed 10814710 (cited by Labcorp Genetics (formerly Invitae), Labcorp); PubMed 25252036 (cited by Labcorp Genetics (formerly Invitae), Labcorp); PubMed 23844448 (cited by Victorian Clinical Genetics Services, Murdoch Childrens Research Institute); PubMed 24726177 (cited by Victorian Clinical Genetics Services, Murdoch Childrens Research Institute and Laboratory of Diagnosis and Therapy of Lysosomal Disorders, University of Padova); PubMed 30980944 (cited by Victorian Clinical Genetics Services, Murdoch Childrens Research Institute and Laboratory of Diagnosis and Therapy of Lysosomal Disorders, University of Padova); PubMed 35729508 (cited by Victorian Clinical Genetics Services, Murdoch Childrens Research Institute); PubMed 34387910 (cited by Laboratory of Diagnosis and Therapy of Lysosomal Disorders, University of Padova).

NM_000512.5(GALNS):c.230C>G (p.Pro77Arg)

Gene: GALNS (galactosamine (N-acetyl)-6-sulfatase; minus strand). Cytogenetic location: 16q24.3.
Variant type: single nucleotide variant.
Coding change: c.230C>G on transcript NM_000512.5 (MANE Select); coding-DNA position 230, C replaced by G.
Protein change: p.Pro77Arg; replaces proline 77 with arginine.
Molecular consequence: missense variant. On other transcripts: intron variant (1).
Genome position (GRCh38, 1-based): chr16:88,842,720, G>C on the plus strand (C>G on the coding strand, the complement: GALNS is on the minus strand). VCF-style: chr16-88842720-G-C. GRCh37 (hg19) VCF-style: chr16-88909128-G-C.
Other names: c.248C>G, p.Pro83Arg (NM_001323544.2); c.-311-749C>G (NM_001323543.2); short protein forms P83R, P77R.
Identifiers: ClinVar variation 856567 (VCV000856567.21), dbSNP rs1422505598, ClinGen allele CA397091229.